The following is an entry in ClinVar:

NM_000996.4(RPL35A):c.*6C>T

Genes: DRC9 (dynein regulatory complex subunit 9; minus strand), RPL35A (ribosomal protein L35a; plus strand). Cytogenetic location: 3q29.
Variant type: single nucleotide variant.
Coding change: c.*6C>T on transcript NM_000996.4 (MANE Select); 6 bases downstream of the stop codon, C replaced by T.
Molecular consequence: 3 prime UTR variant. On other transcripts: intron variant (3).
Genome position (GRCh38, 1-based): chr3:197,955,779, C>T. VCF-style: chr3-197955779-C-T. GRCh37 (hg19) VCF-style: chr3-197682650-C-T.
Other names: c.*6C>T (NM_001316311.2); c.-50+3750G>A (NM_001323028.2); c.-60+3750G>A (NM_032263.5); c.-375+3750G>A (NM_001323029.2).
Identifiers: ClinVar variation 344530 (VCV000344530.12), dbSNP rs116874993, ClinGen allele CA2789251.

ClinVar aggregate classification (germline): Benign/Likely benign. Review status: criteria provided, multiple submitters, no conflicts (2 of 4 stars). 4 submissions from 4 submitters: Benign (1); Likely benign (2). 1 of the submissions does not count toward it. Last evaluated 2024-09-07.

Conditions:
RPL35A-related disorder. Also called: RPL35A-related condition.
Diamond-Blackfan anemia 5 (DBA5). Also called: RPL35A-Related Diamond-Blackfan Anemia. Identifiers: Orphanet 124, MedGen C2675859, MONDO:0012925, OMIM 612528.

Allele frequency attached by ClinVar (database versions not stated): gnomAD 0.00011 and 0.00026; TOPMed 0.00026; gnomAD exomes 0.00041; ExAC 0.00053; 1000 Genomes Project 30x 0.00219; 1000 Genomes Project 0.00260.
gnomAD v4.1: 407 of 1,600,170 alleles (0.025%); highest among the groups gnomAD compares: East Asian, 0.8%; 3 homozygotes.

Submissions (4):

Blueprint Genetics
Classification: Likely benign. Last evaluated: 2024-09-07. Review status: criteria provided, single submitter. Criteria: ACMG Guidelines, 2015. Collection method: clinical testing. Allele origin: germline.

Illumina Laboratory Services, Illumina
Classification: Benign for Diamond-Blackfan anemia 5. Last evaluated: 2018-01-13. Review status: criteria provided, single submitter. Criteria: ICSL Variant Classification Criteria 13 December 2019. Collection method: clinical testing. Allele origin: germline.
Comment: This variant was observed in the ICSL laboratory as part of a predisposition screen in an ostensibly healthy population. It had not been previously curated by ICSL or reported in the Human Gene Mutation Database (HGMD: prior to June 1st, 2018), and was therefore a candidate for classification through an automated scoring system. Utilizing variant allele frequency, disease prevalence and penetrance estimates, and inheritance mode, an automated score was calculated to assess if this variant is too frequent to cause the disease. Based on the score and internal cut-off values, a variant classified as benign is not then subjected to further curation. The score for this variant resulted in a classification of benign for this disease.

Genetic Services Laboratory, University of Chicago
Classification: Likely benign. Last evaluated: 2017-02-07. Review status: criteria provided, single submitter. Criteria: ACMG Guidelines, 2015. Collection method: clinical testing. Allele origin: germline. Affected: no.

PreventionGenetics, part of Exact Sciences
Classification: Likely benign for RPL35A-related condition. Last evaluated: 2019-04-09. Review status: no assertion criteria provided. Collection method: clinical testing. Allele origin: germline. Not counted in ClinVar's aggregate classification.
Comment: This variant is classified as likely benign based on ACMG/AMP sequence variant interpretation guidelines (Richards et al. 2015 PMID: 25741868, with internal and published modifications).